The following is an entry in ClinVar:

ClinVar aggregate classification (germline): Pathogenic. Review status: criteria provided, multiple submitters, no conflicts (2 of 4 stars). 2 submissions from 2 submitters: Pathogenic (2). Last evaluated 2021-10-02.

Conditions:
Autosomal dominant Alport syndrome (ATS3A). Also called: ALPORT SYNDROME 3A, AUTOSOMAL DOMINANT; Alport syndrome dominant type; Renal failure and sensorineural hearing loss. Identifiers: Orphanet 63, Orphanet 88918, MedGen C5882663, MONDO:0007086, OMIM 104200.
Autosomal recessive Alport syndrome (ATS2). Also called: Alport syndrome type 2; COL4A3-Related Nephropathy; ALPORT SYNDROME 2, AUTOSOMAL RECESSIVE; COL4A4 Alport Syndrome and Thin Basement Membrane Nephropathy. Identifiers: Orphanet 63, Orphanet 88919, MedGen C4746745, MONDO:0008762, OMIM 203780.
Benign familial hematuria. Also called: thin basement membrane disease. Identifiers: MedGen C0241908, MONDO:0957317.

Allele frequency attached by ClinVar (database versions not stated): gnomAD exomes 0.00001.

Submissions (2):

Labcorp Genetics (formerly Invitae), Labcorp
Classification: Pathogenic. Last evaluated: 2021-10-02. Review status: criteria provided, single submitter. Criteria: Invitae Variant Classification Sherloc (09022015). Collection method: clinical testing. Allele origin: germline.
Comment: This missense change has been observed in individual(s) with clinical features of Alport syndrome (PMID: 24633401, 26920127). In at least one individual the data is consistent with the variant being in trans (on the opposite chromosome) from a pathogenic variant. This variant is not present in population databases (ExAC no frequency). This sequence change replaces glycine with aspartic acid at codon 1155 of the COL4A3 protein (p.Gly1155Asp). The glycine residue is highly conserved and there is a moderate physicochemical difference between glycine and aspartic acid. Advanced modeling of protein sequence and biophysical properties (such as structural, functional, and spatial information, amino acid conservation, physicochemical variation, residue mobility, and thermodynamic stability) performed at Invitae indicates that this missense variant is expected to disrupt COL4A3 protein function. For these reasons, this variant has been classified as Pathogenic. This variant disrupts the p.Gly1155 amino acid residue in COL4A3. Other variant(s) that disrupt this residue have been determined to be pathogenic (Invitae). This suggests that this residue is clinically significant, and that variants that disrupt this residue are likely to be disease-causing.

Fulgent Genetics
Classification: Pathogenic for Autosomal dominant Alport syndrome; Hematuria, benign familial, 1; Autosomal recessive Alport syndrome. Last evaluated: 2021-07-21. Review status: criteria provided, single submitter. Criteria: ACMG Guidelines, 2015. Collection method: clinical testing. Allele origin: unknown.

Literature cited by the submitters: PubMed 24633401 (cited by Labcorp Genetics (formerly Invitae), Labcorp); PubMed 26920127 (cited by Labcorp Genetics (formerly Invitae), Labcorp).

NM_000091.5(COL4A3):c.3464G>A (p.Gly1155Asp)

Genes: COL4A3 (collagen type IV alpha 3 chain; plus strand), MFF-DT (MFF divergent transcript; minus strand). Cytogenetic location: 2q36.3.
Variant type: single nucleotide variant.
Coding change: c.3464G>A on transcript NM_000091.5 (MANE Select); coding-DNA position 3464, G replaced by A.
Protein change: p.Gly1155Asp; replaces glycine 1155 with aspartic acid.
Molecular consequence: missense variant.
Genome position (GRCh38, 1-based): chr2:227,295,009, G>A. VCF-style: chr2-227295009-G-A. GRCh37 (hg19) VCF-style: chr2-228159725-G-A.
Other names: short protein forms G1155D.
Identifiers: ClinVar variation 1455983 (VCV001455983.7), dbSNP rs2106235905, ClinGen allele CA350858830.